The following is an entry in ClinVar:

NM_007103.4(NDUFV1):c.1327C>T (p.Arg443Trp)

Genes: NDUFV1 (NADH:ubiquinone oxidoreductase core subunit V1; plus strand), LOC126861242 (CDK7 strongly-dependent group 2 enhancer GRCh37_chr11:67379204-67380403; plus strand). Cytogenetic location: 11q13.2.
Variant type: single nucleotide variant.
Coding change: c.1327C>T on transcript NM_007103.4 (MANE Select); coding-DNA position 1327, C replaced by T.
Protein change: p.Arg443Trp; replaces arginine 443 with tryptophan.
Molecular consequence: missense variant.
Genome position (GRCh38, 1-based): chr11:67,612,390, C>T. VCF-style: chr11-67612390-C-T. GRCh37 (hg19) VCF-style: chr11-67379861-C-T.
Other names: c.1300C>T, p.Arg434Trp (NM_001166102.2); short protein forms R443W, R434W.
Identifiers: ClinVar variation 1031698 (VCV001031698.8), dbSNP rs778206888, ClinGen allele CA6143504.
Genomic context (GRCh38, chr11:67,612,390, plus strand): 5'-ATTTTTGGACTCTGTTTCACATGGTCCCCCCACCGACCCCAGGGTCTGATCCGCCACTTT[C>T]GGCCGGAGCTCGAGGAGCGGATGCAGCGGTTTGCCCAGCAGCATCAGGCCCGGCAGGCTG-3'
Protein context (NP_009034.2, residues 433-453): WPVQGLIRHF[Arg443Trp]PELEERMQRF

ClinVar aggregate classification (germline): Uncertain significance. Review status: criteria provided, multiple submitters, no conflicts (2 of 4 stars). 5 submissions from 5 submitters: Uncertain significance (5). Last evaluated 2026-06-11.

Conditions:
Mitochondrial complex I deficiency, nuclear type 1. Also called: NADH-COENZYME Q REDUCTASE DEFICIENCY; MITOCHONDRIAL NADH DEHYDROGENASE COMPONENT OF COMPLEX I, DEFICIENCY OF. Identifiers: MedGen C6022305, MONDO:0100224, OMIM 252010.
Inborn genetic diseases. Identifiers: MedGen C0950123, MeSH D030342.

Allele frequency attached by ClinVar (database versions not stated): TOPMed 0.00003; gnomAD exomes 0.00004; ExAC 0.00005; gnomAD 0.00006.
gnomAD v4.1: 35 of 1,613,112 alleles (0.0022%); highest among the groups gnomAD compares: African/African-American, 0.013%; no homozygotes.

Submissions (5):

Women's Health and Genetics/Laboratory Corporation of America, LabCorp
Classification: Uncertain significance. Last evaluated: 2026-06-11. Review status: criteria provided, single submitter. Criteria: LabCorp Variant Classification Summary - May 2015. Collection method: clinical testing. Allele origin: germline.
Comment: Variant summary: NDUFV1 c.1327C>T (p.Arg443Trp) results in a non-conservative amino acid change in the encoded protein sequence. Algorithms developed to predict the effect of missense changes on protein structure and function all suggest that this variant is likely to be disruptive. The variant allele was found at a frequency of 4.4e-05 in 250766 control chromosomes. This frequency is not significantly higher than estimated for disease-causing variants in NDUFV1, allowing no conclusion about variant significance. To our knowledge, no occurrence of c.1327C>T in individuals affected with NDUFV1-related conditions and no experimental evidence demonstrating its impact on protein function have been reported. The following publications have been ascertained in the context of this evaluation (PMID: 35982160, 35982159). ClinVar contains an entry for this variant (Variation ID: 1031698). Based on the evidence outlined above, the variant was classified as uncertain significance.

Labcorp Genetics (formerly Invitae), Labcorp
Classification: Uncertain significance. Last evaluated: 2024-10-29. Review status: criteria provided, single submitter. Criteria: Invitae Variant Classification Sherloc (09022015). Collection method: clinical testing. Allele origin: germline.
Comment: This sequence change replaces arginine, which is basic and polar, with tryptophan, which is neutral and slightly polar, at codon 443 of the NDUFV1 protein (p.Arg443Trp). This variant is present in population databases (rs778206888, gnomAD 0.01%). This variant has not been reported in the literature in individuals affected with NDUFV1-related conditions. ClinVar contains an entry for this variant (Variation ID: 1031698). Invitae Evidence Modeling of protein sequence and biophysical properties (such as structural, functional, and spatial information, amino acid conservation, physicochemical variation, residue mobility, and thermodynamic stability) has been performed for this missense variant. However, the output from this modeling did not meet the statistical confidence thresholds required to predict the impact of this variant on NDUFV1 protein function. In summary, the available evidence is currently insufficient to determine the role of this variant in disease. Therefore, it has been classified as a Variant of Uncertain Significance.

Blueprint Genetics
Classification: Uncertain significance. Last evaluated: 2023-11-22. Review status: criteria provided, single submitter. Criteria: ACMG Guidelines, 2015. Collection method: clinical testing. Allele origin: germline.

Ambry Genetics
Classification: Uncertain significance for Inborn genetic diseases. Last evaluated: 2021-08-13. Review status: criteria provided, single submitter. Criteria: Ambry Variant Classification Scheme 2023. Collection method: clinical testing. Allele origin: germline.

Baylor Genetics
Classification: Uncertain significance for Mitochondrial complex I deficiency, nuclear type 1. Last evaluated: 2018-06-16. Review status: criteria provided, single submitter. Criteria: ACMG Guidelines, 2015. Collection method: clinical testing. Allele origin: maternal. Affected: yes.
Comment: This variant was determined to be of uncertain significance according to ACMG Guidelines, 2015 [PMID:25741868].

Literature cited by the submitters: PubMed 35982160 (cited by Women's Health and Genetics/Laboratory Corporation of America, LabCorp); PubMed 35982159 (cited by Women's Health and Genetics/Laboratory Corporation of America, LabCorp).